The following is an entry in ClinVar:

NM_177438.3(DICER1):c.4240G>A (p.Asp1414Asn)

Gene: DICER1 (dicer 1, ribonuclease III; minus strand). Cytogenetic location: 14q32.13.
Variant type: single nucleotide variant.
Coding change: c.4240G>A on transcript NM_177438.3 (MANE Select); coding-DNA position 4240, G replaced by A.
Protein change: p.Asp1414Asn; replaces aspartic acid 1414 with asparagine.
Molecular consequence: missense variant. On other transcripts: non-coding transcript variant (6).
Genome position (GRCh38, 1-based): chr14:95,096,680, C>T on the plus strand (G>A on the coding strand, the complement: DICER1 is on the minus strand). VCF-style: chr14-95096680-C-T. GRCh37 (hg19) VCF-style: chr14-95563017-C-T.
Other names: c.4240G>A, p.Asp1414Asn (NM_001195573.1, NM_001271282.3, NM_001291628.2 and 12 more transcripts); c.3835G>A, p.Asp1279Asn (NM_001395696.1, NM_001395687.1, NM_001395688.1 and 2 more transcripts); c.2557G>A, p.Asp853Asn (NM_001395697.1); c.3958G>A, p.Asp1320Asn (NM_001395686.1); c.3673G>A, p.Asp1225Asn (NM_001395691.1); short protein forms D1414N, D1279N, D1225N, D1320N, D853N.
Identifiers: ClinVar variation 4746761 (VCV004746761.1).

ClinVar aggregate classification (germline): Uncertain significance (1 of 4 stars; one submission).

Conditions:
DICER1-related tumor predisposition. Also called: DICER1-related pleuropulmonary blastoma cancer predisposition syndrome; DICER1 syndrome. Identifiers: Orphanet 284343, MedGen C3839822, MONDO:0100216.

Submission:

Labcorp Genetics (formerly Invitae), Labcorp
Classification: Uncertain significance for DICER1-related tumor predisposition. Last evaluated: 2025-06-25. Review status: criteria provided, single submitter. Criteria: Invitae Variant Classification Sherloc (09022015). Collection method: clinical testing. Allele origin: germline.
Comment: This sequence change replaces aspartic acid, which is acidic and polar, with asparagine, which is neutral and polar, at codon 1414 of the DICER1 protein (p.Asp1414Asn). This variant is not present in population databases (gnomAD no frequency). This variant has not been reported in the literature in individuals affected with DICER1-related conditions. Invitae Evidence Modeling of protein sequence and biophysical properties (such as structural, functional, and spatial information, amino acid conservation, physicochemical variation, residue mobility, and thermodynamic stability) indicates that this missense variant is not expected to disrupt DICER1 protein function with a negative predictive value of 95%. In summary, the available evidence is currently insufficient to determine the role of this variant in disease. Therefore, it has been classified as a Variant of Uncertain Significance.